The following is an entry in ClinVar:

ClinVar aggregate classification (germline): Uncertain significance (1 of 4 stars; one submission).

Submission:

Labcorp Genetics (formerly Invitae), Labcorp
Classification: Uncertain significance. Last evaluated: 2024-08-15. Review status: criteria provided, single submitter. Criteria: Invitae Variant Classification Sherloc (09022015). Collection method: clinical testing. Allele origin: germline.
Comment: This variant, c.325_336del, results in the deletion of 4 amino acid(s) of the PROM1 protein (p.Ile109_Cys112del), but otherwise preserves the integrity of the reading frame. This variant is not present in population databases (gnomAD no frequency). This variant has not been reported in the literature in individuals affected with PROM1-related conditions. Experimental studies and prediction algorithms are not available or were not evaluated, and the functional significance of this variant is currently unknown. In summary, the available evidence is currently insufficient to determine the role of this variant in disease. Therefore, it has been classified as a Variant of Uncertain Significance.

NM_006017.3(PROM1):c.325_336del (p.Ile109_Cys112del)

Gene: PROM1 (prominin 1; minus strand). Cytogenetic location: 4p15.32.
Variant type: Deletion.
Coding change: c.325_336del on transcript NM_006017.3 (MANE Select); coding-DNA positions 325 to 336, 12 bases deleted (ATTATTCTATGC).
Protein change: p.Ile109_Cys112del.
Genome position (GRCh38, 1-based): chr4:16,033,477-16,033,488, GCATAGAATAAT deleted on the plus strand (ATTATTCTATGC on the coding strand, the reverse complement: PROM1 is on the minus strand). VCF-style (leftmost placement, unchanged base first): chr4-16033476-AGCATAGAATAAT-A. GRCh37 (hg19) VCF-style: chr4-16035099-AGCATAGAATAAT-A.
Other names: c.298_309del, p.Ile100_Cys103del (NM_001145847.2, NM_001145848.2, NM_001145851.2 and 4 more transcripts); c.325_336del, p.Ile109_Cys112del (NM_001145849.2, NM_001145850.2).
Identifiers: ClinVar variation 3659440 (VCV003659440.2).